The following is an entry in ClinVar:

ClinVar aggregate classification (germline): Uncertain significance (1 of 4 stars; one submission).

Submission:

Labcorp Genetics (formerly Invitae), Labcorp
Classification: Uncertain significance. Last evaluated: 2024-12-07. Review status: criteria provided, single submitter. Criteria: Invitae Variant Classification Sherloc (09022015). Collection method: clinical testing. Allele origin: germline.
Comment: This sequence change creates a premature translational stop signal (p.Thr1404Argfs*40) in the SAMD9L gene. While this is not anticipated to result in nonsense mediated decay, it is expected to disrupt the last 181 amino acid(s) of the SAMD9L protein. This variant is not present in population databases (gnomAD no frequency). This variant has not been reported in the literature in individuals affected with SAMD9L-related conditions. Experimental studies and prediction algorithms are not available or were not evaluated, and the functional significance of this variant is currently unknown. In summary, the available evidence is currently insufficient to determine the role of this variant in disease. Therefore, it has been classified as a Variant of Uncertain Significance.

NM_152703.5(SAMD9L):c.4211_4251del (p.Thr1404fs)

Gene: SAMD9L (sterile alpha motif domain containing 9 like; minus strand). Cytogenetic location: 7q21.2.
Variant type: Deletion.
Coding change: c.4211_4251del on transcript NM_152703.5 (MANE Select); coding-DNA positions 4211 to 4251, 41 bases deleted.
Protein change: p.Thr1404fs; shifts the reading frame from threonine 1404.
Molecular consequence: frameshift variant.
Genome position (GRCh38, 1-based): chr7:93,131,721-93,131,761, 41 bases deleted; deleting any 41 consecutive bases within chr7:93,131,721-93,131,763 gives the same sequence; the c. name uses the placement nearest the transcript's 3' end. GRCh37 (hg19): chr7:92,761,036-92,761,076.
Other names: c.4211_4251del, p.Thr1404fs (NM_001303496.3, NM_001303497.3, NM_001303498.3 and 5 more transcripts); short protein forms T1404fs.
Identifiers: ClinVar variation 3725794 (VCV003725794.2).